The following is an entry in ClinVar:

NM_003872.3(NRP2):c.484T>A (p.Ser162Thr)

Gene: NRP2 (neuropilin 2; plus strand). Cytogenetic location: 2q33.3.
Variant type: single nucleotide variant.
Coding change: c.484T>A on transcript NM_003872.3 (MANE Select); coding-DNA position 484, T replaced by A.
Protein change: p.Ser162Thr; replaces serine 162 with threonine.
Molecular consequence: missense variant.
Genome position (GRCh38, 1-based): chr2:205,722,528, T>A. VCF-style: chr2-205722528-T-A. GRCh37 (hg19) VCF-style: chr2-206587252-T-A.
Other names: c.484T>A, p.Ser162Thr (NM_018534.4, NM_201264.2, NM_201266.2 and 2 more transcripts); short protein forms S162T.
Identifiers: ClinVar variation 3347117 (VCV003347117.1).

ClinVar aggregate classification (germline): Uncertain significance (0 of 4 stars; one submission).

Conditions:
NRP2-related disorder. Also called: NRP2-related condition.

gnomAD v4.1: 4 of 1,614,172 alleles (0.00025%); highest among the groups gnomAD compares: Admixed American, 0.0017%; no homozygotes.

Submission:

PreventionGenetics, part of Exact Sciences
Classification: Uncertain significance for NRP2-related condition. Last evaluated: 2024-05-15. Review status: no assertion criteria provided. Collection method: clinical testing. Allele origin: germline.
Comment: The NRP2 c.484T>A variant is predicted to result in the amino acid substitution p.Ser162Thr. To our knowledge, this variant has not been reported in the literature. This variant is reported in 0.0062% of alleles in individuals of African descent in gnomAD. At this time, the clinical significance of this variant is uncertain due to the absence of conclusive functional and genetic evidence.